The following is an entry in ClinVar:

NM_004370.6(COL12A1):c.2275C>A (p.Pro759Thr)

Gene: COL12A1 (collagen type XII alpha 1 chain; minus strand). Cytogenetic location: 6q13.
Variant type: single nucleotide variant.
Coding change: c.2275C>A on transcript NM_004370.6 (MANE Select); coding-DNA position 2275, C replaced by A.
Protein change: p.Pro759Thr; replaces proline 759 with threonine.
Molecular consequence: missense variant. On other transcripts: intron variant (2).
Genome position (GRCh38, 1-based): chr6:75,177,825, G>T on the plus strand (C>A on the coding strand, the complement: COL12A1 is on the minus strand). VCF-style: chr6-75177825-G-T. GRCh37 (hg19) VCF-style: chr6-75887541-G-T.
Other names: c.2275C>A, p.Pro759Thr (NM_001424113.1, NM_001424114.1, NM_001424115.1); c.73+24895C>A (NM_001424116.1, NM_080645.3); short protein forms P759T.
Identifiers: ClinVar variation 3906389 (VCV003906389.3).

ClinVar aggregate classification (germline): Uncertain significance. Review status: criteria provided, multiple submitters, no conflicts (2 of 4 stars). 2 submissions from 2 submitters: Uncertain significance (2). Last evaluated 2026-08-22.

Conditions:
Bethlem myopathy 2 (BTHLM2). Identifiers: Orphanet 536516, Orphanet 610, MedGen C4225313, MONDO:0034022, OMIM 616471.
Ullrich congenital muscular dystrophy 2 (UCMD2). Identifiers: Orphanet 75840, MedGen C4225314, MONDO:0014654, OMIM 616470.

gnomAD v4.1: 2 of 1,614,026 alleles (0.00012%); highest among the groups gnomAD compares: Admixed American, 0.0033%; no homozygotes.

Submissions (2):

GeneDx
Classification: Uncertain significance. Last evaluated: 2026-08-22. Review status: criteria provided, single submitter. Criteria: GeneDx Variant Classification Process June 2021. Collection method: clinical testing. Allele origin: germline.
Comment: Not observed at significant frequency in large population cohorts (gnomAD); In silico analysis supports that this missense variant has a deleterious effect on protein structure/function; Has not been previously published as pathogenic or benign to our knowledge

Labcorp Genetics (formerly Invitae), Labcorp
Classification: Uncertain significance for Bethlem myopathy 2; Ullrich congenital muscular dystrophy 2. Last evaluated: 2026-01-07. Review status: criteria provided, single submitter. Criteria: Invitae Variant Classification Sherloc (09022015). Collection method: clinical testing. Allele origin: germline.
Comment: This sequence change replaces proline, which is neutral and non-polar, with threonine, which is neutral and polar, at codon 759 of the COL12A1 protein (p.Pro759Thr). This variant is present in population databases (no rsID available, gnomAD 0.003%). This variant has not been reported in the literature in individuals affected with COL12A1-related conditions. ClinVar contains an entry for this variant (Variation ID: 3906389). Invitae Evidence Modeling of protein sequence and biophysical properties (such as structural, functional, and spatial information, amino acid conservation, physicochemical variation, residue mobility, and thermodynamic stability) indicates that this missense variant is not expected to disrupt COL12A1 protein function with a negative predictive value of 80%. In summary, the available evidence is currently insufficient to determine the role of this variant in disease. Therefore, it has been classified as a Variant of Uncertain Significance.